The following is an entry in ClinVar:

ClinVar aggregate classification (germline): Uncertain significance (1 of 4 stars; one submission).

Conditions:
Cardiovascular phenotype. Identifiers: MedGen CN230736.

Submission:

Ambry Genetics
Classification: Uncertain significance for Cardiovascular phenotype. Last evaluated: 2026-07-06. Review status: criteria provided, single submitter. Criteria: Ambry Variant Classification Scheme 2023. Collection method: clinical testing. Allele origin: germline.
Comment: The p.S3511I variant (also known as c.10532G>T), located in coding exon 73 of the RYR2 gene, results from a G to T substitution at nucleotide position 10532. The serine at codon 3511 is replaced by isoleucine, an amino acid with dissimilar properties. This amino acid position is conserved. In addition, the in silico prediction for this alteration is inconclusive. Based on the available evidence, the clinical significance of this variant remains unclear.

NM_001035.3(RYR2):c.10532G>T (p.Ser3511Ile)

Gene: RYR2 (ryanodine receptor 2; plus strand). Cytogenetic location: 1q43.
Variant type: single nucleotide variant.
Coding change: c.10532G>T on transcript NM_001035.3 (MANE Select); coding-DNA position 10532, G replaced by T.
Protein change: p.Ser3511Ile; replaces serine 3511 with isoleucine.
Molecular consequence: missense variant.
Genome position (GRCh38, 1-based): chr1:237,718,499, G>T. VCF-style: chr1-237718499-G-T. GRCh37 (hg19) VCF-style: chr1-237881799-G-T.
Other names: short protein forms S3511I.
Identifiers: ClinVar variation 5028674 (VCV005028674.1).